The following is an entry in ClinVar:

NM_004369.4(COL6A3):c.6535A>C (p.Met2179Leu)

Gene: COL6A3 (collagen type VI alpha 3 chain; minus strand). Cytogenetic location: 2q37.3.
Variant type: single nucleotide variant.
Coding change: c.6535A>C on transcript NM_004369.4 (MANE Select); coding-DNA position 6535, A replaced by C.
Protein change: p.Met2179Leu; replaces methionine 2179 with leucine.
Molecular consequence: missense variant.
Genome position (GRCh38, 1-based): chr2:237,357,819, T>G on the plus strand (A>C on the coding strand, the complement: COL6A3 is on the minus strand). VCF-style: chr2-237357819-T-G. GRCh37 (hg19) VCF-style: chr2-238266462-T-G.
Other names: c.4714A>C, p.Met1572Leu (NM_057166.5); c.5917A>C, p.Met1973Leu (NM_057167.4); short protein forms M2179L, M1973L, M1572L.
Identifiers: ClinVar variation 2074067 (VCV002074067.4), dbSNP rs953229166, ClinGen allele CA351214301.

ClinVar aggregate classification (germline): Uncertain significance (1 of 4 stars; one submission).

Conditions:
Bethlem myopathy 1A. Also called: MYOPATHY, BENIGN CONGENITAL, WITH CONTRACTURES; Bethlem Muscular Dystrophy; Bethlem myopathy 1. Identifiers: Orphanet 610, MedGen CN029274, MONDO:0024530, OMIM 158810.

gnomAD v4.1: 2 of 1,614,080 alleles (0.00012%); highest among the groups gnomAD compares: Admixed American, 0.0017%; no homozygotes.

Submission:

Labcorp Genetics (formerly Invitae), Labcorp
Classification: Uncertain significance for Bethlem myopathy 1A. Last evaluated: 2022-05-31. Review status: criteria provided, single submitter. Criteria: Invitae Variant Classification Sherloc (09022015). Collection method: clinical testing. Allele origin: germline.
Comment: This sequence change replaces methionine, which is neutral and non-polar, with leucine, which is neutral and non-polar, at codon 2179 of the COL6A3 protein (p.Met2179Leu). This variant is present in population databases (no rsID available, gnomAD 0.003%). This variant has not been reported in the literature in individuals affected with COL6A3-related conditions. Algorithms developed to predict the effect of missense changes on protein structure and function (SIFT, PolyPhen-2, Align-GVGD) all suggest that this variant is likely to be tolerated. In summary, the available evidence is currently insufficient to determine the role of this variant in disease. Therefore, it has been classified as a Variant of Uncertain Significance.